The following is an entry in ClinVar:

NM_000539.3(RHO):c.875C>T (p.Ala292Val)

Gene: RHO (rhodopsin; plus strand). Cytogenetic location: 3q22.1.
Variant type: single nucleotide variant.
Coding change: c.875C>T on transcript NM_000539.3 (MANE Select); coding-DNA position 875, C replaced by T.
Protein change: p.Ala292Val; replaces alanine 292 with valine.
Molecular consequence: missense variant.
Genome position (GRCh38, 1-based): chr3:129,532,711, C>T. VCF-style: chr3-129532711-C-T. GRCh37 (hg19) VCF-style: chr3-129251554-C-T.
Other names: short protein forms A292V.
Identifiers: ClinVar variation 1498602 (VCV001498602.9), dbSNP rs104893789, ClinGen allele CA354470722.

ClinVar aggregate classification (germline): Uncertain significance. Review status: criteria provided, multiple submitters, no conflicts (2 of 4 stars). 2 submissions from 2 submitters: Uncertain significance (2). Last evaluated 2024-09-04.

Conditions:
Retinitis pigmentosa 4 (RP4). Also called: RETINITIS PIGMENTOSA, RHODOPSIN-RELATED. Identifiers: Orphanet 791, MedGen C3151001, MONDO:0013395, OMIM 613731.

Allele frequency attached by ClinVar (database versions not stated): TOPMed below 0.00001.

Submissions (2):

3billion
Classification: Uncertain significance for Retinitis pigmentosa 4. Last evaluated: 2024-09-04. Review status: criteria provided, single submitter. Criteria: ACMG Guidelines, 2015. Collection method: clinical testing. Allele origin: germline. Affected: yes.
Comment: The variant is not observed in the gnomAD v4.0.0 dataset. Predicted Consequence/Location: Missense changes are a common disease-causing mechanism. In silico tool predictions suggest damaging effect of the variant on gene or gene product [REVEL: 0.34 (>=0.6, sensitivity 0.68 and specificity 0.92); 3Cnet: 0.82 (>=0.6, sensitivity 0.72 and precision 0.9)]. Different missense changes at the same codon (p.Ala292Glu, p.Ala292Thr) have been reported to be associated with RHO related disorder (ClinVar ID: VCV000013044 /PMID: 26766544, 8358437). However the evidence of pathogenicity is insufficient at this time. Therefore, this variant is classified as VUS according to the recommendation of ACMG/AMP guideline.

Labcorp Genetics (formerly Invitae), Labcorp
Classification: Uncertain significance. Last evaluated: 2023-11-13. Review status: criteria provided, single submitter. Criteria: Invitae Variant Classification Sherloc (09022015). Collection method: clinical testing. Allele origin: germline.
Comment: This sequence change replaces alanine, which is neutral and non-polar, with valine, which is neutral and non-polar, at codon 292 of the RHO protein (p.Ala292Val). This variant is not present in population databases (gnomAD no frequency). This variant has not been reported in the literature in individuals affected with RHO-related conditions. ClinVar contains an entry for this variant (Variation ID: 1498602). Advanced modeling of protein sequence and biophysical properties (such as structural, functional, and spatial information, amino acid conservation, physicochemical variation, residue mobility, and thermodynamic stability) performed at Invitae indicates that this missense variant is not expected to disrupt RHO protein function with a negative predictive value of 80%. In summary, the available evidence is currently insufficient to determine the role of this variant in disease. Therefore, it has been classified as a Variant of Uncertain Significance.

Literature cited by the submitters: PubMed 26766544 (cited by 3billion).